The following is an entry in ClinVar:

ClinVar aggregate classification (germline): Uncertain significance (1 of 4 stars; one submission).

gnomAD v4.1: 2 of 1,613,074 alleles (0.00012%); highest among the groups gnomAD compares: East Asian, 0.0022%; no homozygotes.

Submission:

Ambry Genetics
Classification: Uncertain significance. Last evaluated: 2025-04-30. Review status: criteria provided, single submitter. Criteria: Ambry Variant Classification Scheme 2023. Collection method: clinical testing. Allele origin: germline.
Comment: The p.R213I variant (also known as c.638G>T), located in coding exon 7 of the NEBL gene, results from a G to T substitution at nucleotide position 638. The arginine at codon 213 is replaced by isoleucine, an amino acid with similar properties. This amino acid position is conserved. In addition, the in silico prediction for this alteration is inconclusive. Based on the available evidence, the clinical significance of this variant remains unclear.

NM_006393.3(NEBL):c.638G>T (p.Arg213Ile)

Gene: NEBL (nebulette; minus strand). Cytogenetic location: 10p12.31.
Variant type: single nucleotide variant.
Coding change: c.638G>T on transcript NM_006393.3 (MANE Select); coding-DNA position 638, G replaced by T.
Protein change: p.Arg213Ile; replaces arginine 213 with isoleucine.
Molecular consequence: missense variant. On other transcripts: intron variant (9).
Genome position (GRCh38, 1-based): chr10:20,868,710, C>A on the plus strand (G>T on the coding strand, the complement: NEBL is on the minus strand). VCF-style: chr10-20868710-C-A. GRCh37 (hg19) VCF-style: chr10-21157639-C-A.
Other names: c.250-55770G>T (NM_001377326.1, NM_001377327.1, NM_001377328.1); c.358-55770G>T (NM_213569.2, NM_001173484.2, NM_001377322.1); c.301-55770G>T (NM_001377324.1); c.292-55770G>T (NM_001377325.1); c.310-55770G>T (NM_001377323.1); short protein forms R213I.
Identifiers: ClinVar variation 3918550 (VCV003918550.1).